The following is an entry in ClinVar:

ClinVar aggregate classification (germline): Conflicting classifications of pathogenicity. Review status: criteria provided, conflicting classifications (1 of 4 stars). 2 submissions from 2 submitters: Uncertain significance (1); Likely benign (1). Last evaluated 2025-05-21.

Conditions:
Hereditary sensory and autonomic neuropathy type 1 (HSAN1). Also called: HSAN 1; HSN Type I; Hereditary Sensory Neuropathy Type I. Identifiers: Orphanet 36386, MedGen C0020071, MONDO:0018213.
Inborn genetic diseases. Identifiers: MedGen C0950123, MeSH D030342.

Allele frequency attached by ClinVar (database versions not stated): TOPMed 0.00007; gnomAD 0.00008 and 0.00009.
gnomAD v4.1: 258 of 1,613,468 alleles (0.016%); highest among the groups gnomAD compares: Non-Finnish European, 0.021%; no homozygotes.

Submissions (2):

Ambry Genetics
Classification: Likely benign for Inborn genetic diseases. Last evaluated: 2025-05-21. Review status: criteria provided, single submitter. Criteria: Ambry Variant Classification Scheme 2023. Collection method: clinical testing. Allele origin: germline.

Labcorp Genetics (formerly Invitae), Labcorp
Classification: Uncertain significance for Hereditary sensory and autonomic neuropathy type 1. Last evaluated: 2025-02-02. Review status: criteria provided, single submitter. Criteria: Invitae Variant Classification Sherloc (09022015). Collection method: clinical testing. Allele origin: germline.
Comment: This sequence change replaces arginine, which is basic and polar, with proline, which is neutral and non-polar, at codon 236 of the SPTLC1 protein (p.Arg236Pro). This variant is present in population databases (rs765970732, gnomAD 0.01%). This variant has not been reported in the literature in individuals affected with SPTLC1-related conditions. ClinVar contains an entry for this variant (Variation ID: 657595). Invitae Evidence Modeling of protein sequence and biophysical properties (such as structural, functional, and spatial information, amino acid conservation, physicochemical variation, residue mobility, and thermodynamic stability) indicates that this missense variant is not expected to disrupt SPTLC1 protein function with a negative predictive value of 80%. In summary, the available evidence is currently insufficient to determine the role of this variant in disease. Therefore, it has been classified as a Variant of Uncertain Significance.

NM_006415.4(SPTLC1):c.707G>C (p.Arg236Pro)

Gene: SPTLC1 (serine palmitoyltransferase long chain base subunit 1; minus strand). Cytogenetic location: 9q22.31.
Variant type: single nucleotide variant.
Coding change: c.707G>C on transcript NM_006415.4 (MANE Select); coding-DNA position 707, G replaced by C.
Protein change: p.Arg236Pro; replaces arginine 236 with proline.
Molecular consequence: missense variant.
Genome position (GRCh38, 1-based): chr9:92,055,478, C>G on the plus strand (G>C on the coding strand, the complement: SPTLC1 is on the minus strand). VCF-style: chr9-92055478-C-G. GRCh37 (hg19) VCF-style: chr9-94817760-C-G.
Other names: c.707G>C, p.Arg236Pro (NM_001281303.2); c.341G>C, p.Arg114Pro (NM_001368272.1); c.242G>C, p.Arg81Pro (NM_001368273.1); c.707G>C (NM_006415.2); short protein forms R114P, R236P, R81P.
Identifiers: ClinVar variation 657595 (VCV000657595.9), dbSNP rs765970732, ClinGen allele CA5121458.